The following is an entry in ClinVar:

NM_015559.3(SETBP1):c.3300C>T (p.His1100=)

Gene: SETBP1 (SET binding protein 1; plus strand). Cytogenetic location: 18q12.3.
Variant type: single nucleotide variant.
Coding change: c.3300C>T on transcript NM_015559.3 (MANE Select); coding-DNA position 3300, C replaced by T.
Protein change: p.His1100=; no amino-acid change (histidine 1100 retained).
Molecular consequence: synonymous variant.
Genome position (GRCh38, 1-based): chr18:44,952,640, C>T. VCF-style: chr18-44952640-C-T. GRCh37 (hg19) VCF-style: chr18-42532605-C-T.
Other names: c.3300C>T, p.His1100= (NM_001379141.1, NM_001379142.1, NM_001410862.1).
Identifiers: ClinVar variation 2648691 (VCV002648691.27), dbSNP rs771566400, ClinGen allele CA8945881.

ClinVar aggregate classification (germline): Benign/Likely benign. Review status: criteria provided, multiple submitters, no conflicts (2 of 4 stars). 2 submissions from 2 submitters: Benign (1); Likely benign (1). Last evaluated 2024-07-22.

Allele frequency attached by ClinVar (database versions not stated): gnomAD exomes 0.00002; ExAC 0.00003; gnomAD 0.00003.
gnomAD v4.1: 38 of 1,613,870 alleles (0.0024%); highest among the groups gnomAD compares: African/African-American, 0.0067%; no homozygotes.

Submissions (2):

Labcorp Genetics (formerly Invitae), Labcorp
Classification: Benign. Last evaluated: 2024-07-22. Review status: criteria provided, single submitter. Criteria: Invitae Variant Classification Sherloc (09022015). Collection method: clinical testing. Allele origin: germline.

CeGaT Center for Human Genetics Tuebingen
Classification: Likely benign. Last evaluated: 2022-10-01. Review status: criteria provided, single submitter. Criteria: CeGaT Center For Human Genetics Tuebingen Variant Classification Criteria Version 2. Collection method: clinical testing. Allele origin: germline. Affected: yes. Observed: 1 variant allele.
Comment: SETBP1: BP4, BP7